The following is an entry in ClinVar:

ClinVar aggregate classification (germline): Likely benign (1 of 4 stars; one submission).

Submission:

CeGaT Center for Human Genetics Tuebingen
Classification: Likely benign. Last evaluated: 2024-09-01. Review status: criteria provided, single submitter. Criteria: CeGaT Center For Human Genetics Tuebingen Variant Classification Criteria Version 2. Collection method: clinical testing. Allele origin: germline. Affected: yes. Observed: 1 variant allele.
Comment: PRB2: BP4, BP7

NM_006248.4(PRB2):c.264A>G (p.Lys88=)

Gene: PRB2 (proline rich protein BstNI subfamily 2). Cytogenetic location: 12p13.2.
Variant type: single nucleotide variant.
Coding change: c.264A>G on transcript NM_006248.4 (MANE Select); coding-DNA position 264, A replaced by G.
Protein change: p.Lys88=; no amino-acid change (lysine 88 retained).
Molecular consequence: synonymous variant.
Genome position (GRCh38, 1-based): chr12:11,393,814, T>C on the plus strand (A>G on the coding strand, the complement: PRB2 is on the minus strand). VCF-style: chr12-11393814-T-C. GRCh37 (hg19) VCF-style: chr12-11546748-T-C.
Identifiers: ClinVar variation 3388062 (VCV003388062.14).